The following is an entry in ClinVar:

NM_014738.6(TMEM94):c.2734C>T (p.Arg912Ter)

Gene: TMEM94 (transmembrane protein 94; plus strand). Cytogenetic location: 17q25.1.
Variant type: single nucleotide variant.
Coding change: c.2734C>T on transcript NM_014738.6 (MANE Select); coding-DNA position 2734, C replaced by T.
Protein change: p.Arg912Ter; replaces arginine 912 with a stop codon.
Molecular consequence: nonsense.
Genome position (GRCh38, 1-based): chr17:75,495,289, C>T. VCF-style: chr17-75495289-C-T. GRCh37 (hg19) VCF-style: chr17-73491370-C-T.
Other names: TMEM94, ARG922TER (rs557746506); NM_014738.6(TMEM94):c.2734C>T; p.Arg912Ter; c.2764C>T, p.Arg922Ter (NM_001321148.2); c.2746C>T, p.Arg916Ter (NM_001321149.2); c.2686C>T, p.Arg896Ter (NM_001351202.2); c.2761C>T, p.Arg921Ter (NM_001351203.2); c.2734C>T (NM_014738.5); short protein forms R922*, R912*, R921*, R896*, R916*.
Identifiers: ClinVar variation 617667 (VCV000617667.5), dbSNP rs557746506, ClinGen allele CA8762249.

ClinVar aggregate classification (germline): Pathogenic/Likely pathogenic. Review status: criteria provided, multiple submitters, no conflicts (2 of 4 stars). 4 submissions from 4 submitters: Pathogenic (2); Likely pathogenic (1). 1 of the submissions does not count toward it. Last evaluated 2024-04-19.

Conditions:
Intellectual developmental disorder with cardiac defects and dysmorphic facies (IDDCDF). Identifiers: Orphanet 562569, MedGen C5193024, MONDO:0032672, OMIM 618316.
TMEM94-related disorder. Also called: TMEM94-related condition.

Allele frequency attached by ClinVar (database versions not stated): gnomAD 0.00001; 1000 Genomes Project 0.00020; 1000 Genomes Project 30x 0.00031.
gnomAD v4.1: 13 of 1,607,234 alleles (0.00081%); highest among the groups gnomAD compares: East Asian, 0.0045%; no homozygotes.

Submissions (4):

GeneDx
Classification: Pathogenic. Last evaluated: 2024-04-19. Review status: criteria provided, single submitter. Criteria: GeneDx Variant Classification Process June 2021. Collection method: clinical testing. Allele origin: germline. Affected: yes.
Comment: Nonsense variant predicted to result in protein truncation or nonsense mediated decay in a gene for which loss of function is a known mechanism of disease; Not observed at significant frequency in large population cohorts (gnomAD); This variant is associated with the following publications: (PMID: 30526868)

Blueprint Genetics
Classification: Pathogenic for TMEM94-related disorders. Last evaluated: 2024-01-10. Review status: criteria provided, single submitter. Criteria: ACMG Guidelines, 2015. Collection method: clinical testing. Allele origin: germline. Affected: yes. Observed: 2 variant alleles.

Broad Center for Mendelian Genomics, Broad Institute of MIT and Harvard
Classification: Likely pathogenic for Intellectual developmental disorder with cardiac defects and dysmorphic facies. Last evaluated: 2023-01-25. Review status: criteria provided, single submitter. Criteria: ACMG Guidelines, 2015. Collection method: curation. Allele origin: germline. Inheritance: Autosomal recessive inheritance.
Comment: The homozygous p.Arg922Ter variant in TMEM94 was identified by our study in two siblings with intellectual developmental disorder with cardiac defects and dysmorphic facies (PMID: 30526868). The p.Arg922Ter variant in TMEM94 has not been previously reported in individuals with intellectual developmental disorder with cardiac defects and dysmorphic facies but has been identified in 0.003% (1/30300) of South Asian chromosomes by the Genome Aggregation Database (gnomAD; dbSNP ID: rs557746506). Although this variant has been seen in the general population in a heterozygous state, its frequency is low enough to be consistent with a recessive carrier frequency. This variant has also been reported in ClinVar (Variation ID: 617667) and has been interpreted as pathogenic by OMIM. This nonsense variant leads to a premature termination codon at position 922, which is predicted to lead to a truncated or absent protein. Loss of function of the TMEM94 gene is strongly associated to autosomal recessive intellectual developmental disorder with cardiac defects and dysmorphic facies. In summary, although additional studies are required to fully establish its clinical significance, this variant is likely pathogenic for intellectual developmental disorder with cardiac defects and dysmorphic facies. ACMG/AMP Criteria applied: PVS1_Strong, PM2_Supporting, PM3_Supporting (Richards 2015).

OMIM
Classification: Pathogenic for INTELLECTUAL DEVELOPMENTAL DISORDER WITH CARDIAC DEFECTS AND DYSMORPHIC FACIES. Last evaluated: 2019-02-06. Review status: no assertion criteria provided. Collection method: literature only. Allele origin: germline. Not counted in ClinVar's aggregate classification.

Literature cited by the submitters: PubMed 30526868 (cited by OMIM).